The following is an entry in ClinVar:

ClinVar aggregate classification (germline): Uncertain significance (1 of 4 stars; one submission).

gnomAD v4.1: 3 of 1,614,038 alleles (0.00019%); highest among the groups gnomAD compares: South Asian, 0.0033%; no homozygotes.

Submission:

GeneDx
Classification: Uncertain significance. Last evaluated: 2024-05-29. Review status: criteria provided, single submitter. Criteria: GeneDx Variant Classification Process June 2021. Collection method: clinical testing. Allele origin: germline. Affected: yes.
Comment: In silico analysis indicates that this missense variant does not alter protein structure/function; Has not been previously published as pathogenic or benign to our knowledge

NM_001347721.2(DYRK1A):c.208-12G>A

Gene: DYRK1A (dual specificity tyrosine phosphorylation regulated kinase 1A; plus strand). Cytogenetic location: 21q22.13.
Variant type: single nucleotide variant.
Coding change: c.208-12G>A on transcript NM_001347721.2 (MANE Select); 12 bases into the intron before coding-DNA position 208, G replaced by A.
Molecular consequence: intron variant. On other transcripts: missense variant (3).
Genome position (GRCh38, 1-based): chr21:37,478,196, G>A. VCF-style: chr21-37478196-G-A. GRCh37 (hg19) VCF-style: chr21-38850498-G-A.
Other names: c.223G>A, p.Val75Ile (NM_001396.5, NM_101395.2, NM_130438.2); c.208-12G>A (NM_001347722.2, NM_130436.2); c.121-12G>A (NM_001347723.2); short protein forms V75I.
Identifiers: ClinVar variation 3383723 (VCV003383723.1).
Genomic context (GRCh38, chr21:37,478,196, plus strand): 5'-TTTATATCTTATAGTTAAAGTGCTAGTCTTTTCTGTCTATTTAAGGTGATGCCTGATATT[G>A]TCATGTTACAGAGGCGGATGCCCCAAACCTTCCGTGACCCAGCAACTGCTCCCCTGAGAA-3'